The following is an entry in ClinVar:

NM_025137.4(SPG11):c.2656T>C (p.Tyr886His)

Gene: SPG11 (SPG11 vesicle trafficking associated, spatacsin; minus strand). Cytogenetic location: 15q21.1.
Variant type: single nucleotide variant.
Coding change: c.2656T>C on transcript NM_025137.4 (MANE Select); coding-DNA position 2656, T replaced by C.
Protein change: p.Tyr886His; replaces tyrosine 886 with histidine.
Molecular consequence: missense variant.
Genome position (GRCh38, 1-based): chr15:44,620,368, A>G on the plus strand (T>C on the coding strand, the complement: SPG11 is on the minus strand). VCF-style: chr15-44620368-A-G. GRCh37 (hg19) VCF-style: chr15-44912566-A-G.
Other names: c.2656T>C, p.Tyr886His (NM_001160227.2); short protein forms Y886H.
Identifiers: ClinVar variation 413995 (VCV000413995.54), dbSNP rs139687202, ClinGen allele CA7535167.

ClinVar aggregate classification (germline): Conflicting classifications of pathogenicity. Review status: criteria provided, conflicting classifications (1 of 4 stars). 12 submissions from 12 submitters: Uncertain significance (1); Benign (3); Likely benign (5). 3 of the submissions do not count toward it. Last evaluated 2026-01-27.

Conditions:
Hereditary spastic paraplegia. Also called: Familial spastic paraparesis. Identifiers: Orphanet 685, MedGen C0037773, MONDO:0019064. Disease mechanism: loss of function.
Amyotrophic lateral sclerosis (ALS). Also called: Lou Gehrig disease; Charcot disease. Identifiers: Orphanet 803, MedGen C0002736, MONDO:0004976, HP:0007354.
Hereditary spastic paraplegia 11. Also called: Nakamura Osame syndrome; Autosomal recessive hereditary spastic paraplegia, mental impairment, and thin corpus callosum; SPASTIC PARAPLEGIA, AUTOSOMAL RECESSIVE, COMPLICATED, WITH THIN CORPUS CALLOSUM; SPASTIC PARAPLEGIA, AUTOSOMAL RECESSIVE, WITH MENTAL IMPAIRMENT AND THIN CORPUS CALLOSUM; Spastic paraplegia, mental retardation and thin corpus callosum; Spastic Paraplegia 11. Identifiers: Orphanet 2822, MedGen C1858479, MONDO:0011445, OMIM 604360.

Allele frequency attached by ClinVar (database versions not stated): gnomAD exomes 0.00062 and 0.00127; ExAC 0.00140; gnomAD 0.00350 and 0.00369; ESP Exome Variant Server 0.00377; 1000 Genomes Project 0.00399; TOPMed 0.00403; 1000 Genomes Project 30x 0.00406.
gnomAD v4.1: 1,522 of 1,614,120 alleles (0.094%); highest among the groups gnomAD compares: African/African-American, 1.3%; 11 homozygotes.

Submissions (12):

Labcorp Genetics (formerly Invitae), Labcorp
Classification: Benign for Hereditary spastic paraplegia 11. Last evaluated: 2026-01-27. Review status: criteria provided, single submitter. Criteria: Invitae Variant Classification Sherloc (09022015). Collection method: clinical testing. Allele origin: germline.

Mayo Clinic Laboratories, Mayo Clinic
Classification: Benign. Last evaluated: 2025-04-15. Review status: criteria provided, single submitter. Criteria: ACMG Guidelines, 2015. Collection method: clinical testing. Allele origin: germline. Observed: 3 variant alleles.
Comment: BA1, BS2, BP4

CeGaT Center for Human Genetics Tuebingen
Classification: Likely benign. Last evaluated: 2025-02-01. Review status: criteria provided, single submitter. Criteria: CeGaT Center For Human Genetics Tuebingen Variant Classification Criteria Version 2. Collection method: clinical testing. Allele origin: germline. Affected: yes. Observed: 6 variant alleles.
Comment: SPG11: BP4, BS1

Blueprint Genetics
Classification: Likely benign. Last evaluated: 2024-11-25. Review status: criteria provided, single submitter. Criteria: ACMG Guidelines, 2015. Collection method: clinical testing. Allele origin: germline.

GeneDx
Classification: Likely benign. Last evaluated: 2022-03-07. Review status: criteria provided, single submitter. Criteria: GeneDx Variant Classification Process June 2021. Collection method: clinical testing. Allele origin: germline. Affected: yes.

Genome Diagnostics Laboratory, The Hospital for Sick Children
Classification: Likely benign for Hereditary spastic paraplegia. Last evaluated: 2021-11-05. Review status: criteria provided, single submitter. Criteria: ACMG Guidelines, 2015. Collection method: clinical testing. Allele origin: germline. Affected: yes.

UM ALS/MND Lab, University Of Malta
Classification: Uncertain significance for Amyotrophic lateral sclerosis. Last evaluated: 2020-09-09. Review status: criteria provided, single submitter. Criteria: ACMG Guidelines, 2015. Collection method: case-control. Allele origin: unknown. Affected: yes. Observed: 1 variant allele.
Comment: Single heterozygote

Athena Diagnostics
Classification: Benign. Last evaluated: 2019-10-22. Review status: criteria provided, single submitter. Criteria: Athena Diagnostics Criteria. Collection method: clinical testing. Allele origin: unknown.

Illumina Laboratory Services, Illumina
Classification: Likely benign for Hereditary spastic paraplegia 11. Last evaluated: 2017-04-27. Review status: criteria provided, single submitter. Criteria: ICSL Variant Classification Criteria 13 December 2019. Collection method: clinical testing. Allele origin: germline.
Comment: This variant was observed as part of a predisposition screen in an ostensibly healthy population. A literature search was performed for the gene, cDNA change, and amino acid change (where applicable). Publications were found based on this search. The evidence from the literature, in combination with allele frequency data from public databases where available, was sufficient to determine this variant is unlikely to cause disease. Therefore, this variant is classified as likely benign.

Clinical Genetics DNA and cytogenetics Diagnostics Lab, Erasmus MC, Erasmus Medical Center
Classification: Benign. Review status: no assertion criteria provided. Collection method: clinical testing. Allele origin: germline. Affected: yes. Study: VKGL Data-share Consensus. Not counted in ClinVar's aggregate classification.

Clinical Genetics, Academic Medical Center
Classification: Likely benign. Review status: no assertion criteria provided. Collection method: clinical testing. Allele origin: germline. Affected: yes. Study: VKGL Data-share Consensus. Not counted in ClinVar's aggregate classification.

Laboratory of Diagnostic Genome Analysis, Leiden University Medical Center (LUMC)
Classification: Likely benign. Review status: no assertion criteria provided. Collection method: clinical testing. Allele origin: germline. Affected: yes. Study: VKGL Data-share Consensus. Not counted in ClinVar's aggregate classification.

Literature cited by the submitters: PubMed 18337587 (cited by 3 submitters); PubMed 29946510 (cited by Mayo Clinic Laboratories, Mayo Clinic).